The following is an entry in ClinVar:

NC_000015.9:g.(?_48719801)_(48723343_?)del

Gene: FBN1 (fibrillin 1; minus strand). Cytogenetic location: 15q21.1.
Variant type: Deletion.
Identifiers: ClinVar variation 3243737 (VCV003243737.1).

ClinVar aggregate classification (germline): Pathogenic (1 of 4 stars; one submission).

Conditions:
Marfan syndrome (MFS). Also called: MARFAN SYNDROME, TYPE I; Marfan syndrome type 1; Marfan's syndrome; Marfan syndrome, classic; FBN1-Related Marfan Syndrome. Identifiers: Orphanet 284963, Orphanet 558, MedGen C0024796, MONDO:0007947, OMIM 154700.
Familial thoracic aortic aneurysm and aortic dissection (TAAD). Also called: Thoracic aortic aneurysms and dissections. Identifiers: Orphanet 91387, MedGen C4707243, MONDO:0019625.

Submission:

Labcorp Genetics (formerly Invitae), Labcorp
Classification: Pathogenic for Marfan syndrome; Familial thoracic aortic aneurysm and aortic dissection. Last evaluated: 2024-01-04. Review status: criteria provided, single submitter. Criteria: Invitae Variant Classification Sherloc (09022015). Collection method: clinical testing. Allele origin: unknown.
Comment: This variant results in the deletion of exons 56-57 and part of exon 58 (c.6740-344_7167del) of the FBN1 gene. It is expected to disrupt RNA splicing. Variants that disrupt the donor or acceptor splice site typically lead to a loss of protein function (PMID: 16199547), and loss-of-function variants in FBN1 are known to be pathogenic (PMID: 17657824, 19293843). This variant has not been reported in the literature in individuals affected with FBN1-related conditions. This variant affects a cysteine residue in the EGF-like, TGFBP or hybrid motif domains of FBN1. Cysteine residues are believed to be involved in intramolecular disulfide bridges and have been shown to be important for FBN1 protein structure (PMID: 16905551, 19349279). In addition, missense substitutions affecting cysteine residues within these domains are significantly overrepresented among patients with Marfan syndrome (PMID: 16571647, 17701892). For these reasons, this variant has been classified as Pathogenic.

Literature cited by the submitters: PubMed 16199547; PubMed 17657824; PubMed 19293843; PubMed 16905551; PubMed 19349279; PubMed 16571647; PubMed 17701892.